The following is an entry in ClinVar:

ClinVar aggregate classification (germline): Uncertain significance. Review status: criteria provided, multiple submitters, no conflicts (2 of 4 stars). 6 submissions from 6 submitters: Uncertain significance (6). Last evaluated 2025-05-05.

Conditions:
Hereditary cancer-predisposing syndrome. Also called: Hereditary neoplastic syndrome; Tumor predisposition; Hereditary Cancer Syndrome; Neoplastic Syndromes, Hereditary. Identifiers: Orphanet 140162, MedGen C0027672, MeSH D009386, MONDO:0015356.
Nijmegen breakage syndrome-like disorder (NBSLD). Also called: MICROCEPHALY AND SPONTANEOUS CHROMOSOME INSTABILITY WITHOUT IMMUNODEFICIENCY; NBS-LIKE DISORDER; RAD50 DEFICIENCY. Identifiers: Orphanet 240760, MedGen C2751318, MONDO:0013118, OMIM 613078.

Allele frequency attached by ClinVar (database versions not stated): ExAC 0.00001; TOPMed 0.00002; gnomAD 0.00001; gnomAD exomes 0.00001 and 0.00003.
gnomAD v4.1: 14 of 1,613,626 alleles (0.00087%); highest among the groups gnomAD compares: Admixed American, 0.013%; no homozygotes.

Submissions (6):

Labcorp Genetics (formerly Invitae), Labcorp
Classification: Uncertain significance for Hereditary cancer-predisposing syndrome. Last evaluated: 2025-05-05. Review status: criteria provided, single submitter. Criteria: Invitae Variant Classification Sherloc (09022015). Collection method: clinical testing. Allele origin: germline.
Comment: This sequence change replaces glutamic acid, which is acidic and polar, with glycine, which is neutral and non-polar, at codon 831 of the RAD50 protein (p.Glu831Gly). This variant is present in population databases (rs772155267, gnomAD 0.02%). This variant has not been reported in the literature in individuals affected with RAD50-related conditions. ClinVar contains an entry for this variant (Variation ID: 408419). Invitae Evidence Modeling of protein sequence and biophysical properties (such as structural, functional, and spatial information, amino acid conservation, physicochemical variation, residue mobility, and thermodynamic stability) indicates that this missense variant is expected to disrupt RAD50 protein function with a positive predictive value of 80%. In summary, the available evidence is currently insufficient to determine the role of this variant in disease. Therefore, it has been classified as a Variant of Uncertain Significance.

Quest Diagnostics Nichols Institute San Juan Capistrano
Classification: Uncertain significance. Last evaluated: 2025-04-22. Review status: criteria provided, single submitter. Criteria: Quest Diagnostics criteria. Collection method: clinical testing. Allele origin: unknown.
Comment: The RAD50 c.2492A>G (p.Glu831Gly) variant has been reported in the published literature in an individual with breast cancer as well as in a reportedly unaffected individual (PMID: 33471991 (2021), see also LOVD). The variant has also been detected in a cohort of individuals undergoing hereditary cancer testing (PMID: 31159747 (2019)). The frequency of this variant in the general population (Genome Aggregation Database) is uninformative in the assessment of its pathogenicity. Analysis of this variant using bioinformatics tools for the prediction of the effect of amino acid changes on protein structure and function yielded conflicting predictions that this variant is benign or damaging. Based on the available information, we are unable to determine the clinical significance of this variant.

Dasa
Classification: Uncertain significance. Last evaluated: 2025-03-26. Review status: criteria provided, single submitter. Criteria: DASA Assertion Criteria. Collection method: clinical testing. Allele origin: germline.
Comment: NM_005732.4(RAD50):c.2492A>G (p.Glu831Gly) is a missense variant that results in the substitution of glutamic acid with glycine. This variant is rare in population databases. Computational prediction algorithms are consistent with a benign effect. The currently available literature and clinical evidence are not sufficient to establish a definitive association between this variant and the reported condition. Therefore, this variant is classified as a variant of uncertain significance.

Ambry Genetics
Classification: Uncertain significance for Hereditary cancer-predisposing syndrome. Last evaluated: 2024-07-27. Review status: criteria provided, single submitter. Criteria: Ambry Variant Classification Scheme 2023. Collection method: clinical testing. Allele origin: germline.
Comment: The p.E831G variant (also known as c.2492A>G), located in coding exon 15 of the RAD50 gene, results from an A to G substitution at nucleotide position 2492. The glutamic acid at codon 831 is replaced by glycine, an amino acid with similar properties. This alteration has been reported in 1/1197 individuals from Greece, Romania, and Turkey undergoing evaluation for inherited cancer predisposition (Tsaousis GN et al. BMC Cancer, 2019 Jun;19:535). This amino acid position is highly conserved in available vertebrate species. In addition, the in silico prediction for this alteration is inconclusive. Since supporting evidence is limited at this time, the clinical significance of this alteration remains unclear.

Fulgent Genetics
Classification: Uncertain significance for Nijmegen breakage syndrome-like disorder. Last evaluated: 2021-08-18. Review status: criteria provided, single submitter. Criteria: ACMG Guidelines, 2015. Collection method: clinical testing. Allele origin: unknown.

GeneKor MSA
Classification: Uncertain significance for Hereditary cancer-predisposing syndrome. Last evaluated: 2018-08-01. Review status: criteria provided, single submitter. Criteria: ACMG Guidelines, 2015. Collection method: clinical testing. Allele origin: germline. Affected: yes.

Literature cited by the submitters: PubMed 31159747 (cited by Quest Diagnostics Nichols Institute San Juan Capistrano and Ambry Genetics); PubMed 33471991 (cited by Quest Diagnostics Nichols Institute San Juan Capistrano).

NM_005732.4(RAD50):c.2492A>G (p.Glu831Gly)

Gene: RAD50 (RAD50 double strand break repair protein; plus strand). Cytogenetic location: 5q31.1.
Variant type: single nucleotide variant.
Coding change: c.2492A>G on transcript NM_005732.4 (MANE Select); coding-DNA position 2492, A replaced by G.
Protein change: p.Glu831Gly; replaces glutamic acid 831 with glycine.
Molecular consequence: missense variant.
Genome position (GRCh38, 1-based): chr5:132,604,014, A>G. VCF-style: chr5-132604014-A-G. GRCh37 (hg19) VCF-style: chr5-131939706-A-G.
Other names: short protein forms E831G.
Identifiers: ClinVar variation 408419 (VCV000408419.21), dbSNP rs772155267, ClinGen allele CA3405400.